The following is an entry in ClinVar:

NM_198576.4(AGRN):c.1856T>C (p.Val619Ala)

Gene: AGRN (agrin; plus strand). Cytogenetic location: 1p36.33.
Variant type: single nucleotide variant.
Coding change: c.1856T>C on transcript NM_198576.4 (MANE Select); coding-DNA position 1856, T replaced by C.
Protein change: p.Val619Ala; replaces valine 619 with alanine.
Molecular consequence: missense variant.
Genome position (GRCh38, 1-based): chr1:1,043,880, T>C. VCF-style: chr1-1043880-T-C. GRCh37 (hg19) VCF-style: chr1-979260-T-C.
Other names: c.1856T>C, p.Val619Ala (NM_001305275.2); c.1541T>C, p.Val514Ala (NM_001364727.2); short protein forms V619A, V514A.
Identifiers: ClinVar variation 1370453 (VCV001370453.5), dbSNP rs1320843935, ClinGen allele CA337834748.
Genomic context (GRCh38, chr1:1,043,880, plus strand): 5'-CAGAGACCTGTGGAGATGCCGTGTGTGCTTTTGGGGCTGTGTGCTCCGCAGGGCAGTGTG[T>C]GTGTCCCCGGTGTGAGCACCCCCCGCCCGGCCCCGTGTGTGGCAGCGACGGTGTCACCTA-3'
Protein context (NP_940978.2, residues 609-629): FGAVCSAGQC[Val619Ala]CPRCEHPPPG

ClinVar aggregate classification (germline): Uncertain significance (1 of 4 stars; one submission).

Conditions:
Congenital myasthenic syndrome 8. Also called: Myasthenic syndrome, congenital, 8, with pre- and postsynaptic defects; MYASTHENIC SYNDROME, CONGENITAL, DUE TO AGRIN DEFICIENCY. Identifiers: Orphanet 590, MedGen C3808739, MONDO:0014052, OMIM 615120.

Submission:

Labcorp Genetics (formerly Invitae), Labcorp
Classification: Uncertain significance for Congenital myasthenic syndrome 8. Last evaluated: 2021-08-26. Review status: criteria provided, single submitter. Criteria: Invitae Variant Classification Sherloc (09022015). Collection method: clinical testing. Allele origin: germline.
Comment: This sequence change replaces valine with alanine at codon 619 of the AGRN protein (p.Val619Ala). The valine residue is moderately conserved and there is a small physicochemical difference between valine and alanine. This variant is not present in population databases (ExAC no frequency). This variant has not been reported in the literature in individuals affected with AGRN-related conditions. Algorithms developed to predict the effect of missense changes on protein structure and function are either unavailable or do not agree on the potential impact of this missense change (SIFT: "Tolerated"; PolyPhen-2: "Possibly Damaging"; Align-GVGD: "Class C0"). In summary, the available evidence is currently insufficient to determine the role of this variant in disease. Therefore, it has been classified as a Variant of Uncertain Significance.